The following is an entry in ClinVar:

ClinVar aggregate classification (germline): Uncertain significance (1 of 4 stars; one submission).

Conditions:
Intellectual developmental disorder 61. Also called: INTELLECTUAL DEVELOPMENTAL DISORDER, AUTOSOMAL DOMINANT 61; MENTAL RETARDATION, AUTOSOMAL DOMINANT 61. Identifiers: MedGen C5231400, MONDO:0032485, OMIM 618009.

gnomAD v4.1: 2 of 1,611,642 alleles (0.00012%); highest among the groups gnomAD compares: African/African-American, 0.0013%; no homozygotes.

Submission:

Pittsburgh Clinical Genomics Laboratory, University of Pittsburgh Medical Center
Classification: Uncertain significance for Intellectual developmental disorder 61. Last evaluated: 2024-05-31. Review status: criteria provided, single submitter. Criteria: ACMG Guidelines, 2015. Collection method: clinical testing. Allele origin: germline. Inheritance: Autosomal dominant inheritance. Affected: yes.
Comment: This sequence variant is a single nucleotide substitution (C>T) at position 2800 of the coding sequence of the MED13 gene that results in a proline to serine amino acid change at residue 934 within LxxLL nuclear receptor-binding motifs of the Mediator Complex Subunit 13 protein. MED13 is a component of the CDK8-kinase module that can reversibly bind Mediator, a multi-protein complex that is required for Polymerase II transcription initiation. This variant is absent from ClinVar and has not been reported in individuals affected by a MED13-related disorder in the published literature, to our knowledge. This variant is present in 2 of1611642 alleles (0.0001%) in the gnomAD v4.1.0 population dataset. Multiple bioinformatic tools predict that this amino acid change would be damaging, and the Pro934 residue at this position is highly conserved across the vertebrate species examined. Studies examining the functional consequence of this variant have not been published, to our knowledge. At this time, there is insufficient evidence to determine if this variant is pathogenic or benign. Therefore, we consider this a variant of uncertain significance. ACMG Criteria: BP1, PM2, PP3

NM_005121.3(MED13):c.2800C>T (p.Pro934Ser)

Gene: MED13 (mediator complex subunit 13; minus strand). Cytogenetic location: 17q23.2.
Variant type: single nucleotide variant.
Coding change: c.2800C>T on transcript NM_005121.3 (MANE Select); coding-DNA position 2800, C replaced by T.
Protein change: p.Pro934Ser; replaces proline 934 with serine.
Molecular consequence: missense variant.
Genome position (GRCh38, 1-based): chr17:61,984,259, G>A on the plus strand (C>T on the coding strand, the complement: MED13 is on the minus strand). VCF-style: chr17-61984259-G-A. GRCh37 (hg19) VCF-style: chr17-60061620-G-A.
Other names: short protein forms P934S.
Identifiers: ClinVar variation 3376448 (VCV003376448.1).